The following is an entry in ClinVar:

ClinVar aggregate classification (germline): Conflicting classifications of pathogenicity. Review status: criteria provided, conflicting classifications (1 of 4 stars). 5 submissions from 5 submitters: Uncertain significance (4); Likely benign (1). Last evaluated 2026-01-17.

Conditions:
Hereditary cancer-predisposing syndrome. Also called: Neoplastic Syndromes, Hereditary; Hereditary neoplastic syndrome; Tumor predisposition; Hereditary Cancer Syndrome. Identifiers: Orphanet 140162, MedGen C0027672, MeSH D009386, MONDO:0015356.
Nijmegen breakage syndrome-like disorder (NBSLD). Also called: RAD50 DEFICIENCY; MICROCEPHALY AND SPONTANEOUS CHROMOSOME INSTABILITY WITHOUT IMMUNODEFICIENCY; NBS-LIKE DISORDER. Identifiers: Orphanet 240760, MedGen C2751318, MONDO:0013118, OMIM 613078.

Allele frequency attached by ClinVar (database versions not stated): gnomAD exomes 0.00003 and 0.00002; gnomAD 0.00009 and 0.00010; TOPMed 0.00009.
gnomAD v4.1: 62 of 1,613,912 alleles (0.0038%); highest among the groups gnomAD compares: African/African-American, 0.013%; no homozygotes.

Submissions (5):

Dasa
Classification: Uncertain significance for Nijmegen breakage syndrome-like disorder. Last evaluated: 2026-01-17. Review status: criteria provided, single submitter. Criteria: DASA Assertion Criteria. Collection method: clinical testing. Allele origin: germline.
Comment: NM_005732.4(RAD50):c.3508G>A (p.Asp1170Asn) is a missense variant that results in the substitution of aspartic acid with asparagine. This variant is rare in population databases. The currently available literature and clinical evidence are not sufficient to establish a definitive association between this variant and the reported condition. Therefore, this variant is classified as a variant of uncertain significance.

Labcorp Genetics (formerly Invitae), Labcorp
Classification: Likely benign for Hereditary cancer-predisposing syndrome. Last evaluated: 2026-01-12. Review status: criteria provided, single submitter. Criteria: Invitae Variant Classification Sherloc (09022015). Collection method: clinical testing. Allele origin: germline.

Quest Diagnostics Nichols Institute San Juan Capistrano
Classification: Uncertain significance. Last evaluated: 2023-11-02. Review status: criteria provided, single submitter. Criteria: Quest Diagnostics criteria. Collection method: clinical testing. Allele origin: unknown.
Comment: The RAD50 c.3508G>A (p.Asp1170Asn) variant has not been reported in individuals with RAD50-related conditions in the published literature. The frequency of this variant in the general population, 0.000025 (7/282796 chromosomes (Genome Aggregation Database)), is uninformative in the assessment of its pathogenicity. Analysis of this variant using bioinformatics tools for the prediction of the effect of amino acid changes on protein structure and function yielded conflicting predictions that this variant is benign or damaging. Based on the available information, we are unable to determine the clinical significance of this variant.

Ambry Genetics
Classification: Uncertain significance for Hereditary cancer-predisposing syndrome. Last evaluated: 2023-10-06. Review status: criteria provided, single submitter. Criteria: Ambry Variant Classification Scheme 2023. Collection method: clinical testing. Allele origin: germline.
Comment: The p.D1170N variant (also known as c.3508G>A), located in coding exon 23 of the RAD50 gene, results from a G to A substitution at nucleotide position 3508. The aspartic acid at codon 1170 is replaced by asparagine, an amino acid with highly similar properties. This amino acid position is highly conserved in available vertebrate species. In addition, this alteration is predicted to be tolerated by in silico analysis. Since supporting evidence is limited at this time, the clinical significance of this alteration remains unclear.

Baylor Genetics
Classification: Uncertain significance for Nijmegen breakage syndrome-like disorder. Last evaluated: 2023-07-24. Review status: criteria provided, single submitter. Criteria: ACMG Guidelines, 2015. Collection method: clinical testing. Allele origin: unknown.

NM_005732.4(RAD50):c.3508G>A (p.Asp1170Asn)

Genes: RAD50 (RAD50 double strand break repair protein; plus strand), TH2-LCR (Th2 cytokine locus control region; plus strand), TH2LCRR (T helper type 2 locus control region associated RNA; minus strand). Cytogenetic location: 5q31.1.
Variant type: single nucleotide variant.
Coding change: c.3508G>A on transcript NM_005732.4 (MANE Select); coding-DNA position 3508, G replaced by A.
Protein change: p.Asp1170Asn; replaces aspartic acid 1170 with asparagine.
Molecular consequence: missense variant. On other transcripts: non-coding transcript variant (2).
Genome position (GRCh38, 1-based): chr5:132,638,113, G>A. VCF-style: chr5-132638113-G-A. GRCh37 (hg19) VCF-style: chr5-131973805-G-A.
Other names: short protein forms D1170N.
Identifiers: ClinVar variation 37378 (VCV000037378.22), dbSNP rs397507179, ClinGen allele CA130236.
Genomic context (GRCh38, chr5:132,638,113, plus strand): 5'-CTCTAAAATATTCTTCTTCCTGTGTCAGATATTGAATACATAGAAATACGGTCTGATGCC[G>A]ATGAAAATGTATCAGCTTCTGATAAAAGGCGGAATTATAACTACCGAGTGGTGATGCTGA-3'
Protein context (NP_005723.2, residues 1160-1180): IEYIEIRSDA[Asp1170Asn]ENVSASDKRR